The following is an entry in ClinVar:

ClinVar aggregate classification (germline): Likely benign (1 of 4 stars; one submission).

Conditions:
Long QT syndrome (LQTS). Identifiers: MedGen C0023976, MeSH D008133, MONDO:0002442. Disease mechanism: loss of function. Inheritance: Various modes of inheritance.

Submission:

All of Us Research Program, National Institutes of Health
Classification: Likely benign for Long QT syndrome. Last evaluated: 2024-04-25. Review status: criteria provided, single submitter. Criteria: ACMG Guidelines, 2015. Collection method: clinical testing. Allele origin: germline. Inheritance: Autosomal dominant inheritance. Observed: 1 variant allele, 1 heterozygote.
Comment: This study involves interpretation of variants in research participants for the purpose of population health screening. Participant phenotype was not available at the time of variant classification. Additional details can be found in publication PMID: 35346344, PMCID: PMC8962531

NM_000218.3(KCNQ1):c.1252-14_1252-10del

Gene: KCNQ1 (potassium voltage-gated channel subfamily Q member 1; plus strand). Cytogenetic location: 11p15.5.
Variant type: Deletion.
Coding change: c.1252-14_1252-10del on transcript NM_000218.3 (MANE Select); 14 bases into the intron before coding-DNA position 1252 through 10 bases into the intron before coding-DNA position 1252, 5 bases deleted (CTTGT; older notation c.1252-14_1252-10delCTTGT).
Molecular consequence: intron variant.
Genome position (GRCh38, 1-based): chr11:2,588,699-2,588,703, CTTGT deleted; deleting any 5 consecutive bases within chr11:2,588,695-2,588,703 gives the same sequence; the c. name uses the placement nearest the transcript's 3' end. VCF-style (leftmost placement, unchanged base first): chr11-2588694-GTTGTC-G. GRCh37 (hg19) VCF-style: chr11-2609924-GTTGTC-G.
Other names: c.982-14_982-10del (NM_001406837.1); c.1156-14_1156-10del (NM_001406836.1); c.712-14_712-10del (NM_001406838.1); c.871-14_871-10del (NM_181798.2).
Identifiers: ClinVar variation 3386932 (VCV003386932.1).